The following is an entry in ClinVar:

ClinVar aggregate classification (germline): Uncertain significance (1 of 4 stars; one submission).

Submission:

Dasa
Classification: Uncertain significance. Last evaluated: 2025-11-27. Review status: criteria provided, single submitter. Criteria: DASA Assertion Criteria. Collection method: clinical testing. Allele origin: germline.
Comment: NM_021120.4(DLG3):c.229C>G (p.Pro77Ala) is a missense variant that results in the substitution of proline with alanine. This variant is absent from population databases. Computational prediction algorithms are consistent with a benign effect. The currently available literature and clinical evidence are not sufficient to establish a definitive association between this variant and the reported condition. Therefore, this variant is classified as a variant of uncertain significance.

NM_021120.4(DLG3):c.229C>G (p.Pro77Ala)

Gene: DLG3 (discs large MAGUK scaffold protein 3; plus strand). Cytogenetic location: Xq13.1.
Variant type: single nucleotide variant.
Coding change: c.229C>G on transcript NM_021120.4 (MANE Select); coding-DNA position 229, C replaced by G.
Protein change: p.Pro77Ala; replaces proline 77 with alanine.
Molecular consequence: missense variant.
Genome position (GRCh38, 1-based): chrX:70,445,430, C>G. VCF-style: chrX-70445430-C-G. GRCh37 (hg19) VCF-style: chrX-69665280-C-G.
Other names: short protein forms P77A.
Identifiers: ClinVar variation 4885566 (VCV004885566.2).